The following is an entry in ClinVar:

NM_000336.3(SCNN1B):c.1041C>T (p.Leu347=)

Gene: SCNN1B (sodium channel epithelial 1 subunit beta; plus strand). Cytogenetic location: 16p12.2.
Variant type: single nucleotide variant.
Coding change: c.1041C>T on transcript NM_000336.3 (MANE Select); coding-DNA position 1041, C replaced by T.
Protein change: p.Leu347=; no amino-acid change (leucine 347 retained).
Molecular consequence: synonymous variant.
Genome position (GRCh38, 1-based): chr16:23,371,459, C>T. VCF-style: chr16-23371459-C-T. GRCh37 (hg19) VCF-style: chr16-23382780-C-T.
Other names: c.1041C>T, p.Leu347= (NM_001410900.1); c.1041C>T (NM_000336.2).
Identifiers: ClinVar variation 2764633 (VCV002764633.6), dbSNP rs201864704, ClinGen allele CA7960332.

ClinVar aggregate classification (germline): Likely benign. Review status: criteria provided, multiple submitters, no conflicts (2 of 4 stars). 3 submissions from 3 submitters: Likely benign (2). 1 of the submissions does not count toward it. Last evaluated 2025-10-12.

Conditions:
Liddle syndrome 1 (LIDLS1). Also called: PSEUDOALDOSTERONISM. Identifiers: Orphanet 526, MedGen CN031472, MONDO:0020607, OMIM 177200.
Bronchiectasis with or without elevated sweat chloride 1 (BESC1). Also called: Cystic Fibrosis-Like Syndrome. Identifiers: Orphanet 60033, MedGen C2749757, MONDO:0008887, OMIM 211400.
Pseudohypoaldosteronism, type IB2, autosomal recessive (PHA1B2). Identifiers: MedGen C5774255, MONDO:0859317, OMIM 620125.
SCNN1B-related disorder. Also called: SCNN1B-related condition.

Allele frequency attached by ClinVar (database versions not stated): gnomAD exomes 0.00005; gnomAD 0.00006; TOPMed 0.00009; ExAC 0.00010; 1000 Genomes Project 0.00040; 1000 Genomes Project 30x 0.00047.
gnomAD v4.1: 84 of 1,613,554 alleles (0.0052%); highest among the groups gnomAD compares: Admixed American, 0.13%; 1 homozygote.

Submissions (3):

Labcorp Genetics (formerly Invitae), Labcorp
Classification: Likely benign. Last evaluated: 2025-10-12. Review status: criteria provided, single submitter. Criteria: Invitae Variant Classification Sherloc (09022015). Collection method: clinical testing. Allele origin: germline.

Fulgent Genetics
Classification: Likely benign for Liddle syndrome 1; Bronchiectasis with or without elevated sweat chloride 1; Pseudohypoaldosteronism, type IB2, autosomal recessive. Last evaluated: 2024-03-20. Review status: criteria provided, single submitter. Criteria: ACMG Guidelines, 2015. Collection method: clinical testing. Allele origin: germline.

PreventionGenetics, part of Exact Sciences
Classification: Likely benign for SCNN1B-related condition. Last evaluated: 2022-12-29. Review status: no assertion criteria provided. Collection method: clinical testing. Allele origin: germline. Not counted in ClinVar's aggregate classification.
Comment: This variant is classified as likely benign based on ACMG/AMP sequence variant interpretation guidelines (Richards et al. 2015 PMID: 25741868, with internal and published modifications).